The following is an entry in ClinVar:

NM_025114.4(CEP290):c.3944A>G (p.Glu1315Gly)

Gene: CEP290 (centrosomal protein 290; minus strand). Cytogenetic location: 12q21.32.
Variant type: single nucleotide variant.
Coding change: c.3944A>G on transcript NM_025114.4 (MANE Select); coding-DNA position 3944, A replaced by G.
Protein change: p.Glu1315Gly; replaces glutamic acid 1315 with glycine.
Molecular consequence: missense variant.
Genome position (GRCh38, 1-based): chr12:88,089,117, T>C on the plus strand (A>G on the coding strand, the complement: CEP290 is on the minus strand). VCF-style: chr12-88089117-T-C. GRCh37 (hg19) VCF-style: chr12-88482894-T-C.
Other names: short protein forms E1315G.
Identifiers: ClinVar variation 1723045 (VCV001723045.2), dbSNP rs2500099367, ClinGen allele CA386000352.
Genomic context (GRCh38, chr12:88,089,117, plus strand): 5'-AAAGTGCTTATTAACTCTTCCAGGCCCTTTAATTTTAATTCCATCTCCAATGTTTTGTTC[T>C]CCATATTTCTATGTTCTTGTTGAGAATTTTTCATTTCTTGCATTATCTTAAGTTTGTCAT-3'
Protein context (NP_079390.3, residues 1305-1325): KNSQQEHRNM[Glu1315Gly]NKTLEMELKL

ClinVar aggregate classification (germline): Uncertain significance (1 of 4 stars; one submission).

Submission:

GeneDx
Classification: Uncertain significance. Last evaluated: 2022-05-06. Review status: criteria provided, single submitter. Criteria: GeneDx Variant Classification Process June 2021. Collection method: clinical testing. Allele origin: germline. Affected: yes.
Comment: Not observed at significant frequency in large population cohorts (gnomAD); In silico analysis supports that this missense variant has a deleterious effect on protein structure/function; Has not been previously published as pathogenic or benign to our knowledge